The following is an entry in ClinVar:

ClinVar aggregate classification (germline): Uncertain significance (1 of 4 stars; one submission).

Conditions:
Hereditary cancer-predisposing syndrome. Also called: Tumor predisposition; Hereditary neoplastic syndrome; Neoplastic Syndromes, Hereditary; Hereditary Cancer Syndrome. Identifiers: Orphanet 140162, MedGen C0027672, MeSH D009386, MONDO:0015356.

Submission:

Labcorp Genetics (formerly Invitae), Labcorp
Classification: Uncertain significance for Hereditary cancer-predisposing syndrome. Last evaluated: 2021-06-08. Review status: criteria provided, single submitter. Criteria: Invitae Variant Classification Sherloc (09022015). Collection method: clinical testing. Allele origin: germline.
Comment: This sequence change replaces glycine with alanine at codon 956 of the RAD50 protein (p.Gly956Ala). The glycine residue is weakly conserved and there is a small physicochemical difference between glycine and alanine. This variant is not present in population databases (ExAC no frequency). This variant has not been reported in the literature in individuals with RAD50-related conditions. Algorithms developed to predict the effect of missense changes on protein structure and function (SIFT, PolyPhen-2, Align-GVGD) all suggest that this variant is likely to be tolerated, but these predictions have not been confirmed by published functional studies and their clinical significance is uncertain. In summary, the available evidence is currently insufficient to determine the role of this variant in disease. Therefore, it has been classified as a Variant of Uncertain Significance.

NM_005732.4(RAD50):c.2867G>C (p.Gly956Ala)

Gene: RAD50 (RAD50 double strand break repair protein; plus strand). Cytogenetic location: 5q31.1.
Variant type: single nucleotide variant.
Coding change: c.2867G>C on transcript NM_005732.4 (MANE Select); coding-DNA position 2867, G replaced by C.
Protein change: p.Gly956Ala; replaces glycine 956 with alanine.
Molecular consequence: missense variant.
Genome position (GRCh38, 1-based): chr5:132,609,154, G>C. VCF-style: chr5-132609154-G-C. GRCh37 (hg19) VCF-style: chr5-131944846-G-C.
Other names: short protein forms G956A.
Identifiers: ClinVar variation 1358722 (VCV001358722.8), dbSNP rs547370566, ClinGen allele CA360959619.
Genomic context (GRCh38, chr5:132,609,154, plus strand): 5'-ATTTAATGAATATTTTTCTACAGCTGAATGATATTAAAGAGAAGGTTAAAAATATTCATG[G>C]CTATATGAAAGACATTGAGAATTATATTCAAGATGGGAAAGACGACTATAAGAAGGTAAT-3'
Protein context (NP_005723.2, residues 946-966): DIKEKVKNIH[Gly956Ala]YMKDIENYIQ